The following is an entry in ClinVar:

NM_016077.5(PTRH2):c.1-124A>G

Gene: PTRH2 (peptidyl-tRNA hydrolase 2; minus strand). Cytogenetic location: 17q23.1.
Variant type: single nucleotide variant.
Coding change: c.1-124A>G on transcript NM_016077.5 (MANE Select); 124 bases into the intron before coding-DNA position 1, A replaced by G.
Molecular consequence: intron variant.
Genome position (GRCh38, 1-based): chr17:59,698,102, T>C on the plus strand (A>G on the coding strand, the complement: PTRH2 is on the minus strand). VCF-style: chr17-59698102-T-C. GRCh37 (hg19) VCF-style: chr17-57775463-T-C.
Other names: c.4-124A>G (NM_001015509.3).
Identifiers: ClinVar variation 1691191 (VCV001691191.3), dbSNP rs16943799, ClinGen allele CA292127559.

ClinVar aggregate classification (germline): Likely benign. Review status: criteria provided, multiple submitters, no conflicts (2 of 4 stars). 2 submissions from 2 submitters: Likely benign (2). Last evaluated 2021-12-01.

Allele frequency attached by ClinVar (database versions not stated): gnomAD exomes 0.00136; gnomAD 0.01413 and 0.01519; TOPMed 0.01550; 1000 Genomes Project 0.01597; 1000 Genomes Project 30x 0.01718.
gnomAD v4.1: 3,290 of 961,338 alleles (0.34%); highest among the groups gnomAD compares: African/African-American, 5%; 85 homozygotes.

Submissions (2):

GeneDx
Classification: Likely benign. Last evaluated: 2021-12-01. Review status: criteria provided, single submitter. Criteria: GeneDx Variant Classification Process June 2021. Collection method: clinical testing. Allele origin: germline. Affected: yes.
Comment: See Variant Classification Assertion Criteria.

Breakthrough Genomics
Classification: Likely benign. Review status: criteria provided, single submitter. Criteria: ACMG Guidelines, 2015. Collection method: not provided. Allele origin: germline. Inheritance: Autosomal recessive inheritance. Affected: yes.